The following is an entry in ClinVar:

ClinVar aggregate classification (germline): Uncertain significance (1 of 4 stars; one submission).

Submission:

Ambry Genetics
Classification: Uncertain significance. Last evaluated: 2024-02-22. Review status: criteria provided, single submitter. Criteria: Ambry Variant Classification Scheme 2023. Collection method: clinical testing. Allele origin: germline.
Comment: The p.T921I variant (also known as c.2762C>T), located in coding exon 15 of the PALLD gene, results from a C to T substitution at nucleotide position 2762. The threonine at codon 921 is replaced by isoleucine, an amino acid with similar properties. This amino acid position is conserved. In addition, this alteration is predicted to be tolerated by in silico analysis. Based on the available evidence, the clinical significance of this alteration remains unclear.

NM_001166108.2(PALLD):c.2813C>T (p.Thr938Ile)

Genes: CBR4 (carbonyl reductase 4; minus strand), PALLD (palladin, cytoskeletal associated protein; plus strand). Cytogenetic location: 4q32.3.
Variant type: single nucleotide variant.
Coding change: c.2813C>T on transcript NM_001166108.2 (MANE Select); coding-DNA position 2813, C replaced by T.
Protein change: p.Thr938Ile; replaces threonine 938 with isoleucine.
Molecular consequence: missense variant.
Genome position (GRCh38, 1-based): chr4:168,915,990, C>T. VCF-style: chr4-168915990-C-T. GRCh37 (hg19) VCF-style: chr4-169837141-C-T.
Other names: c.1616C>T, p.Thr539Ile (NM_001166109.2); c.1301C>T, p.Thr434Ile (NM_001166110.2); c.641C>T, p.Thr214Ile (NM_001367567.1, NM_001367569.1); c.692C>T, p.Thr231Ile (NM_001367568.1, NM_001367570.1); c.2762C>T, p.Thr921Ile (NM_016081.4); short protein forms T214I, T231I, T434I, T539I, T921I, T938I.
Identifiers: ClinVar variation 3226784 (VCV003226784.1), dbSNP rs2534079966, ClinGen allele CA358706874.
Genomic context (GRCh38, chr4:168,915,990, plus strand): 5'-ATGAACCAATTCAGGAGCGATTCTTCAGACCTCACTTCTTGCAGGCTCCTGGAGATCTGA[C>T]TGTTCAAGAAGGAAAACTCTGCAGAATGGACTGCAAAGTAAGATTTTGTTATTGCTTGCA-3'
Protein context (NP_001159580.1, residues 928-948): PHFLQAPGDL[Thr938Ile]VQEGKLCRMD